The following is an entry in ClinVar:

NM_002382.5(MAX):c.171+2T>G

Genes: MAX (MYC associated transcriptional regulator X; minus strand), MAX-AS1 (MAX antisense RNA 1; plus strand). Cytogenetic location: 14q23.3.
Variant type: single nucleotide variant.
Coding change: c.171+2T>G on transcript NM_002382.5 (MANE Select); the canonical splice donor site of the intron after coding-DNA position 171, T replaced by G.
Molecular consequence: splice donor variant. On other transcripts: non-coding transcript variant (1), intron variant (1).
Genome position (GRCh38, 1-based): chr14:65,093,706, A>C on the plus strand (T>G on the coding strand, the complement: MAX is on the minus strand). VCF-style: chr14-65093706-A-C. GRCh37 (hg19) VCF-style: chr14-65560424-A-C.
Other names: c.144+2T>G (NM_001271069.2, NM_001407095.1, NM_001407110.1 and 9 more transcripts); c.171+2T>G (NM_197957.4, NM_001407094.1, NM_001407104.1 and 5 more transcripts); c.-197+2T>G (NM_001407112.1, NM_001407111.1); c.-104+2T>G (NM_001407106.1, NM_001407107.1, NM_001320415.2 and 1 more transcripts); c.63+7840T>G (NM_001407098.1); c.194+2T>G (NM_001407114.1).
Identifiers: ClinVar variation 3543700 (VCV003543700.2).

ClinVar aggregate classification (germline): Pathogenic (1 of 4 stars; one submission).

Conditions:
Hereditary cancer-predisposing syndrome. Also called: Neoplastic Syndromes, Hereditary; Hereditary Cancer Syndrome; Hereditary neoplastic syndrome; Tumor predisposition. Identifiers: Orphanet 140162, MedGen C0027672, MeSH D009386, MONDO:0015356.

Submission:

Ambry Genetics
Classification: Pathogenic for Hereditary cancer-predisposing syndrome. Last evaluated: 2025-12-15. Review status: criteria provided, single submitter. Criteria: Ambry Variant Classification Scheme 2023. Collection method: clinical testing. Allele origin: germline.
Comment: The c.171+2T>G intronic pathogenic mutation results from a T to G substitution two nucleotides after coding exon 3 in the MAX gene. This nucleotide position is highly conserved in available vertebrate species. This variant has been observed in at least one individual with a personal and/or family history that is consistent with MAX-related hereditary paraganglioma-pheochromocytoma (Ambry internal data). Other variant(s) impacting the same donor site (c.171+2T>A) have been identified in individual(s) with features consistent with MAX-related hereditary paraganglioma-pheochromocytoma (Ambry internal data). In silico splice site analysis predicts that this alteration will weaken the native splice donor site. RNA studies have demonstrated that this alteration results in abnormal splicing in the set of samples tested (Ambry internal data). This variant is considered to be rare based on population cohorts in the Genome Aggregation Database (gnomAD). Based on the supporting evidence, this variant is interpreted as a disease-causing mutation.